The following is an entry in ClinVar:

ClinVar aggregate classification (germline): Likely benign (1 of 4 stars; one submission).

Allele frequency attached by ClinVar (database versions not stated): gnomAD 0.00001; TOPMed 0.00001.

Submission:

GeneDx
Classification: Likely benign. Last evaluated: 2016-09-27. Review status: criteria provided, single submitter. Criteria: GeneDx Variant Classification (06012015). Collection method: clinical testing. Allele origin: germline. Affected: yes.
Comment: This variant is considered likely benign or benign based on one or more of the following criteria: it is a conservative change, it occurs at a poorly conserved position in the protein, it is predicted to be benign by multiple in silico algorithms, and/or has population frequency not consistent with disease.

NM_003476.5(CSRP3):c.-54G>T

Genes: CSRP3 (cysteine and glycine rich protein 3; minus strand), CSRP3-AS1 (CSRP3 and E2F8 antisense RNA 1; plus strand). Cytogenetic location: 11p15.1.
Variant type: single nucleotide variant.
Coding change: c.-54G>T on transcript NM_003476.5 (MANE Select); 54 bases upstream of the start codon, G replaced by T.
Molecular consequence: 5 prime UTR variant.
Genome position (GRCh38, 1-based): chr11:19,201,979, C>A on the plus strand (G>T on the coding strand, the complement: CSRP3 is on the minus strand). VCF-style: chr11-19201979-C-A. GRCh37 (hg19) VCF-style: chr11-19223526-C-A.
Other names: c.-54G>T (LRG_440t1, NM_001369404.1).
Identifiers: ClinVar variation 389534 (VCV000389534.2), dbSNP rs1057523459, ClinGen allele CA16606909.
Genomic context (GRCh38, chr11:19,201,979, plus strand): 5'-ACCTCCAGCTCAAATGTCTGCCTTGCTCCACTCACCTGCCTGTGTGGACTCCGTTCAGCT[C>A]AACTGAGTCTGAGGGGCTCTTGTCCTCTTTAAATATATGAAGGCTGTCACCAGCCTTGGC-3'